The following is an entry in ClinVar:

NM_020843.4(SCAPER):c.788A>G (p.Glu263Gly)

Gene: SCAPER (S-phase cyclin A associated protein in the ER; minus strand). Cytogenetic location: 15q24.3.
Variant type: single nucleotide variant.
Coding change: c.788A>G on transcript NM_020843.4 (MANE Select); coding-DNA position 788, A replaced by G.
Protein change: p.Glu263Gly; replaces glutamic acid 263 with glycine.
Molecular consequence: missense variant. On other transcripts: non-coding transcript variant (1).
Genome position (GRCh38, 1-based): chr15:76,775,102, T>C on the plus strand (A>G on the coding strand, the complement: SCAPER is on the minus strand). VCF-style: chr15-76775102-T-C. GRCh37 (hg19) VCF-style: chr15-77067443-T-C.
Other names: c.50A>G, p.Glu17Gly (NM_001145923.2); c.788A>G, p.Glu263Gly (NM_001353009.2); c.386A>G, p.Glu129Gly (NM_001353010.2, NM_001353011.2, NM_001353012.2); short protein forms E17G, E263G, E129G.
Identifiers: ClinVar variation 4994355 (VCV004994355.1).

ClinVar aggregate classification (germline): Uncertain significance (1 of 4 stars; one submission).

Conditions:
SCAPER-related disorder. Also called: SCAPER-related condition.

Submission:

PreventionGenetics, part of Exact Sciences
Classification: Uncertain significance for SCAPER-related condition. Last evaluated: 2025-09-18. Review status: criteria provided, single submitter. Criteria: ACMG Guidelines, 2015. Collection method: clinical testing. Allele origin: germline.
Comment: The SCAPER c.788A>G variant is predicted to result in the amino acid substitution p.Glu263Gly. To our knowledge, this variant has not been reported in the literature or in a large population database (gnomAD), indicating this variant is rare. At this time, the clinical significance of this variant is uncertain due to the absence of conclusive functional and genetic evidence.